The following is an entry in ClinVar:

NM_001083961.2(WDR62):c.3304C>T (p.Gln1102Ter)

Gene: WDR62 (WD repeat domain 62; plus strand). Cytogenetic location: 19q13.12.
Variant type: single nucleotide variant.
Coding change: c.3304C>T on transcript NM_001083961.2 (MANE Select); coding-DNA position 3304, C replaced by T.
Protein change: p.Gln1102Ter; replaces glutamine 1102 with a stop codon.
Molecular consequence: nonsense.
Genome position (GRCh38, 1-based): chr19:36,102,820, C>T. VCF-style: chr19-36102820-C-T. GRCh37 (hg19) VCF-style: chr19-36593722-C-T.
Other names: c.3289C>T, p.Gln1097Ter (NM_173636.5); short protein forms Q1102*, Q1097*.
Identifiers: ClinVar variation 242539 (VCV000242539.12), dbSNP rs376633424, ClinGen allele CA054317.

ClinVar aggregate classification (germline): Pathogenic. Review status: criteria provided, multiple submitters, no conflicts (2 of 4 stars). 3 submissions from 3 submitters: Pathogenic (3). Last evaluated 2026-02-18.

Allele frequency attached by ClinVar (database versions not stated): gnomAD exomes below 0.00001 and 0.00001; ExAC 0.00001; ESP Exome Variant Server 0.00008; gnomAD 0.00008 and 0.00009; TOPMed 0.00014.
gnomAD v4.1: 16 of 1,614,124 alleles (0.00099%); highest among the groups gnomAD compares: African/African-American, 0.021%; no homozygotes.

Submissions (3):

Dasa
Classification: Pathogenic. Last evaluated: 2026-02-18. Review status: criteria provided, single submitter. Criteria: DASA Assertion Criteria. Collection method: clinical testing. Allele origin: germline.
Comment: NM_001083961.2(WDR62):c.3304C>T (p.Gln1102*) introduces a premature termination codon predicted to result in loss of normal protein function. Loss-of-function is an established mechanism of disease for this gene. This variant has been reported in individuals with related phenotype (PMID: 26395554). The variant is present at low frequency in population datasets. Based on the available data, this variant is classified as pathogenic.

GeneDx
Classification: Pathogenic. Last evaluated: 2024-08-05. Review status: criteria provided, single submitter. Criteria: GeneDx Variant Classification Process June 2021. Collection method: clinical testing. Allele origin: germline. Affected: yes.
Comment: Reported previously in a patient with perisylvian polymicrogyria, epileptic encephalopathy, and developmental delay who also had a second variant on the opposite WDR62 allele (in trans) (PMID: 26395554); Nonsense variant predicted to result in protein truncation or nonsense mediated decay in a gene for which loss of function is a known mechanism of disease; This variant is associated with the following publications: (PMID: 26395554)

Labcorp Genetics (formerly Invitae), Labcorp
Classification: Pathogenic. Last evaluated: 2023-03-31. Review status: criteria provided, single submitter. Criteria: Invitae Variant Classification Sherloc (09022015). Collection method: clinical testing. Allele origin: germline.
Comment: This sequence change creates a premature translational stop signal (p.Gln1102*) in the WDR62 gene. It is expected to result in an absent or disrupted protein product. Loss-of-function variants in WDR62 are known to be pathogenic (PMID: 20729831). This variant is present in population databases (rs376633424, gnomAD 0.02%). This premature translational stop signal has been observed in individual(s) with polymicrogyria (PMID: 26395554). ClinVar contains an entry for this variant (Variation ID: 242539). For these reasons, this variant has been classified as Pathogenic.

Literature cited by the submitters: PubMed 26395554 (cited by Dasa and Labcorp Genetics (formerly Invitae), Labcorp); PubMed 20729831 (cited by Labcorp Genetics (formerly Invitae), Labcorp).